The following is an entry in ClinVar:

NM_032520.5(GNPTG):c.295A>G (p.Asn99Asp)

Gene: GNPTG (N-acetylglucosamine-1-phosphate transferase subunit gamma; plus strand). Cytogenetic location: 16p13.3.
Variant type: single nucleotide variant.
Coding change: c.295A>G on transcript NM_032520.5 (MANE Select); coding-DNA position 295, A replaced by G.
Protein change: p.Asn99Asp; replaces asparagine 99 with aspartic acid.
Molecular consequence: missense variant.
Genome position (GRCh38, 1-based): chr16:1,361,933, A>G. VCF-style: chr16-1361933-A-G. GRCh37 (hg19) VCF-style: chr16-1411934-A-G.
Other names: short protein forms N99D.
Identifiers: ClinVar variation 942344 (VCV000942344.6), dbSNP rs143383133, ClinGen allele CA7807590.

ClinVar aggregate classification (germline): Uncertain significance. Review status: criteria provided, multiple submitters, no conflicts (2 of 4 stars). 3 submissions from 3 submitters: Uncertain significance (2). 1 of the submissions does not count toward it. Last evaluated 2023-12-21.

Conditions:
Inborn genetic diseases. Identifiers: MedGen C0950123, MeSH D030342.
GNPTG-mucolipidosis. Also called: MUCOLIPIDOSIS III, COMPLEMENTATION GROUP C; MUCOLIPIDOSIS III, IRANIAN VARIANT FORM; MUCOLIPIDOSIS III, VARIANT FORM; ML III GAMMA; ML IIIC; Mucolipidosis type III gamma. Identifiers: Orphanet 423470, Orphanet 577, MedGen C1854896, MONDO:0009652, OMIM 252605.

Allele frequency attached by ClinVar (database versions not stated): ExAC 0.00003; gnomAD exomes 0.00004 and 0.00005; TOPMed 0.00005; ESP Exome Variant Server 0.00008; gnomAD 0.00008 and 0.00009.
gnomAD v4.1: 91 of 1,613,520 alleles (0.0056%); highest among the groups gnomAD compares: Non-Finnish European, 0.0075%; no homozygotes.

Submissions (3):

Ambry Genetics
Classification: Uncertain significance for Inborn genetic diseases. Last evaluated: 2023-12-21. Review status: criteria provided, single submitter. Criteria: Ambry Variant Classification Scheme 2023. Collection method: clinical testing. Allele origin: germline.

Labcorp Genetics (formerly Invitae), Labcorp
Classification: Uncertain significance. Last evaluated: 2022-08-16. Review status: criteria provided, single submitter. Criteria: Invitae Variant Classification Sherloc (09022015). Collection method: clinical testing. Allele origin: germline.
Comment: This sequence change replaces asparagine, which is neutral and polar, with aspartic acid, which is acidic and polar, at codon 99 of the GNPTG protein (p.Asn99Asp). This variant is present in population databases (rs143383133, gnomAD 0.009%). This variant has not been reported in the literature in individuals affected with GNPTG-related conditions. ClinVar contains an entry for this variant (Variation ID: 942344). Algorithms developed to predict the effect of missense changes on protein structure and function are either unavailable or do not agree on the potential impact of this missense change (SIFT: "Tolerated"; PolyPhen-2: "Probably Damaging"; Align-GVGD: "Class C0"). In summary, the available evidence is currently insufficient to determine the role of this variant in disease. Therefore, it has been classified as a Variant of Uncertain Significance.

Natera, Inc.
Classification: Uncertain significance for Mucolipidosis III gamma. Last evaluated: 2020-09-22. Review status: no assertion criteria provided. Collection method: clinical testing. Allele origin: germline. Not counted in ClinVar's aggregate classification.